The following is an entry in ClinVar:

NM_003823.4(TNFRSF6B):c.874G>A (p.Val292Ile)

Genes: RTEL1-TNFRSF6B (RTEL1-TNFRSF6B readthrough (NMD candidate); plus strand), TNFRSF6B (TNF receptor superfamily member 6b; plus strand). Cytogenetic location: 20q13.33.
Variant type: single nucleotide variant.
Coding change: c.874G>A on transcript NM_003823.4 (MANE Select); coding-DNA position 874, G replaced by A.
Protein change: p.Val292Ile; replaces valine 292 with isoleucine.
Molecular consequence: missense variant. On other transcripts: non-coding transcript variant (1).
Genome position (GRCh38, 1-based): chr20:63,698,534, G>A. VCF-style: chr20-63698534-G-A. GRCh37 (hg19) VCF-style: chr20-62329887-G-A.
Other names: short protein forms V292I.
Identifiers: ClinVar variation 2871950 (VCV002871950.3), dbSNP rs758758173, ClinGen allele CA9966655.

ClinVar aggregate classification (germline): Uncertain significance (1 of 4 stars; one submission).

Allele frequency attached by ClinVar (database versions not stated): gnomAD 0.00001; gnomAD exomes 0.00001; ExAC 0.00002; TOPMed 0.00002.

Submission:

Labcorp Genetics (formerly Invitae), Labcorp
Classification: Uncertain significance. Last evaluated: 2023-10-05. Review status: criteria provided, single submitter. Criteria: Invitae Variant Classification Sherloc (09022015). Collection method: clinical testing. Allele origin: germline.
Comment: This sequence change replaces valine, which is neutral and non-polar, with isoleucine, which is neutral and non-polar, at codon 292 of the TNFRSF6B protein (p.Val292Ile). The frequency data for this variant in the population databases is considered unreliable, as metrics indicate poor data quality at this position in the gnomAD database. This variant has not been reported in the literature in individuals affected with TNFRSF6B-related conditions. Algorithms developed to predict the effect of missense changes on protein structure and function output the following: SIFT: "Not Available"; PolyPhen-2: "Benign"; Align-GVGD: "Not Available". The isoleucine amino acid residue is found in multiple mammalian species, which suggests that this missense change does not adversely affect protein function. In summary, the available evidence is currently insufficient to determine the role of this variant in disease. Therefore, it has been classified as a Variant of Uncertain Significance.